The following is an entry in ClinVar:

ClinVar aggregate classification (germline): Uncertain significance (1 of 4 stars; one submission).

Conditions:
Arthrogryposis, distal, type 2B2. Identifiers: MedGen C5193097, MONDO:0032750, OMIM 618435.

Submission:

Genetic Diagnostics Department, Viafet Genomics Laboratory
Classification: Uncertain significance for Arthrogryposis, distal, type 2B2. Last evaluated: 2021-08-23. Review status: criteria provided, single submitter. Criteria: ACMG Guidelines, 2015. Collection method: clinical testing. Allele origin: germline. Inheritance: Autosomal dominant inheritance. Affected: yes. Observed: 1 variant allele, 1 heterozygote.

NM_006757.4(TNNT3):c.176T>C (p.Ile59Thr)

Gene: TNNT3 (troponin T3, fast skeletal type; plus strand). Cytogenetic location: 11p15.5.
Variant type: single nucleotide variant.
Coding change: c.176T>C on transcript NM_006757.4 (MANE Select); coding-DNA position 176, T replaced by C.
Protein change: p.Ile59Thr; replaces isoleucine 59 with threonine.
Molecular consequence: missense variant. On other transcripts: 5 prime UTR variant (2).
Genome position (GRCh38, 1-based): chr11:1,933,725, T>C. VCF-style: chr11-1933725-T-C. GRCh37 (hg19) VCF-style: chr11-1954955-T-C.
Other names: c.152T>C, p.Ile51Thr (NM_001367844.1, NM_001367845.1, NM_001042780.3 and 2 more transcripts); c.173T>C, p.Ile58Thr (NM_001367848.1); c.164T>C, p.Ile55Thr (NM_001367849.1); c.119T>C, p.Ile40Thr (NM_001367850.1); c.-29T>C (NM_001367851.1, NM_001367852.1); c.209T>C, p.Ile70Thr (NM_001367846.1); c.185T>C, p.Ile62Thr (NM_001367847.1, NM_001363561.2); c.170T>C, p.Ile57Thr (NM_001042781.3, NM_001367842.1, NM_001367843.1); short protein forms I40T, I51T, I55T, I57T, I58T, I59T, I62T, I70T.
Identifiers: ClinVar variation 1299352 (VCV001299352.1), dbSNP rs2133451032, ClinGen allele CA379096446.